The following is an entry in ClinVar:

ClinVar aggregate classification (germline): Uncertain significance (1 of 4 stars; one submission).

Allele frequency attached by ClinVar (database versions not stated): gnomAD exomes 0.00002; TOPMed 0.00004; gnomAD 0.00005; ExAC 0.00012; 1000 Genomes Project 0.00100.
gnomAD v4.1: 37 of 1,613,942 alleles (0.0023%); highest among the groups gnomAD compares: East Asian, 0.076%; no homozygotes.

Submission:

Labcorp Genetics (formerly Invitae), Labcorp
Classification: Uncertain significance. Last evaluated: 2022-06-15. Review status: criteria provided, single submitter. Criteria: Invitae Variant Classification Sherloc (09022015). Collection method: clinical testing. Allele origin: germline.
Comment: This sequence change replaces proline, which is neutral and non-polar, with serine, which is neutral and polar, at codon 1100 of the FNIP1 protein (p.Pro1100Ser). This variant is present in population databases (rs78367776, gnomAD 0.1%). This variant has not been reported in the literature in individuals affected with FNIP1-related conditions. Algorithms developed to predict the effect of missense changes on protein structure and function are either unavailable or do not agree on the potential impact of this missense change (SIFT: "Tolerated"; PolyPhen-2: "Probably Damaging"; Align-GVGD: "Class C25"). In summary, the available evidence is currently insufficient to determine the role of this variant in disease. Therefore, it has been classified as a Variant of Uncertain Significance.

NM_133372.3(FNIP1):c.3298C>T (p.Pro1100Ser)

Gene: FNIP1 (folliculin interacting protein 1; minus strand). Cytogenetic location: 5q31.1.
Variant type: single nucleotide variant.
Coding change: c.3298C>T on transcript NM_133372.3 (MANE Select); coding-DNA position 3298, C replaced by T.
Protein change: p.Pro1100Ser; replaces proline 1100 with serine.
Molecular consequence: missense variant.
Genome position (GRCh38, 1-based): chr5:131,651,810, G>A on the plus strand (C>T on the coding strand, the complement: FNIP1 is on the minus strand). VCF-style: chr5-131651810-G-A. GRCh37 (hg19) VCF-style: chr5-130987503-G-A.
Other names: c.3214C>T, p.Pro1072Ser (NM_001008738.3); c.3163C>T, p.Pro1055Ser (NM_001346114.2); short protein forms P1055S, P1072S, P1100S.
Identifiers: ClinVar variation 2070880 (VCV002070880.1), dbSNP rs78367776, ClinGen allele CA3400368.